The following is an entry in ClinVar:

ClinVar aggregate classification (germline): Uncertain significance (1 of 4 stars; one submission).

Conditions:
Intellectual disability, autosomal dominant 24 (VSVS). Also called: VULTO-VAN SILFHOUT-DE VRIES SYNDROME. Identifiers: MedGen C4014414, MONDO:0014357, OMIM 615828.

Submission:

Greenwood Genetic Center Diagnostic Laboratories, Greenwood Genetic Center
Classification: Uncertain significance for Intellectual disability, autosomal dominant 24. Last evaluated: 2021-10-02. Review status: criteria provided, single submitter. Criteria: ACMG Guidelines, 2015. Collection method: clinical testing. Allele origin: germline. Affected: yes.
Comment: Found to be in cis with exonic deletion

NM_021008.4(DEAF1):c.332A>C (p.Asp111Ala)

Gene: DEAF1 (DEAF1 transcription factor; minus strand). Cytogenetic location: 11p15.5.
Variant type: single nucleotide variant.
Coding change: c.332A>C on transcript NM_021008.4 (MANE Select); coding-DNA position 332, A replaced by C.
Protein change: p.Asp111Ala; replaces aspartic acid 111 with alanine.
Molecular consequence: missense variant. On other transcripts: 5 prime UTR variant (1).
Genome position (GRCh38, 1-based): chr11:691,556, T>G on the plus strand (A>C on the coding strand, the complement: DEAF1 is on the minus strand). VCF-style: chr11-691556-T-G. GRCh37 (hg19) VCF-style: chr11-691556-T-G.
Other names: c.332A>C, p.Asp111Ala (NM_001293634.2); c.-395A>C (NM_001367390.1); short protein forms D111A.
Identifiers: ClinVar variation 992295 (VCV000992295.5), dbSNP rs1860835409, ClinGen allele CA378937877.